The following is an entry in ClinVar:

ClinVar aggregate classification (germline): Pathogenic. Review status: criteria provided, multiple submitters, no conflicts (2 of 4 stars). 5 submissions from 5 submitters: Pathogenic (4). 1 of the submissions does not count toward it. Last evaluated 2025-01-27.

Conditions:
Neuronal ceroid lipofuscinosis 1 (CLN1). Also called: CEROID LIPOFUSCINOSIS, NEURONAL, 1, VARIABLE AGE AT ONSET; PPT1-Related Neuronal Ceroid-Lipofuscinosis. Identifiers: Orphanet 228329, MedGen C1850451, MONDO:0009744, OMIM 256730.

Submissions (5):

Natera, Inc.
Classification: Pathogenic for Neuronal ceroid lipofuscinosis 1. Last evaluated: 2025-01-27. Review status: criteria provided, single submitter. Criteria: Natera Variant Classification Schema (03/2026). Collection method: clinical testing. Allele origin: germline.
Comment: The c.175delG variant in PPT1 is a frameshift variant predicted to shift the reading frame beginning at codon 59 and leads to a stop codon 12 codons downstream. This variant is expected to result in nonsense mediated decay, truncation, or a dysfunctional protein product. This variant is rare in the general population with a frequency below the threshold expected for the associated phenotype(s). This variant has been observed in one or more individuals affected with the associated recessive disease, as either homozygous or compound heterozygous with a second variant (PMID: 10679943). Given the available evidence, this variant is classified as Pathogenic.

Labcorp Genetics (formerly Invitae), Labcorp
Classification: Pathogenic for Neuronal ceroid lipofuscinosis 1. Last evaluated: 2024-03-13. Review status: criteria provided, single submitter. Criteria: Invitae Variant Classification Sherloc (09022015). Collection method: clinical testing. Allele origin: germline.
Comment: This sequence change creates a premature translational stop signal (p.Glu59Argfs*12) in the PPT1 gene. It is expected to result in an absent or disrupted protein product. Loss-of-function variants in PPT1 are known to be pathogenic (PMID: 10679943, 21990111). This variant is not present in population databases (gnomAD no frequency). This premature translational stop signal has been observed in individual(s) with neuronal ceroid lipofuscinosis (PMID: 10679943). In at least one individual the data is consistent with being in trans (on the opposite chromosome) from a pathogenic variant. ClinVar contains an entry for this variant (Variation ID: 56183). Algorithms developed to predict the effect of sequence changes on RNA splicing suggest that this variant may disrupt the consensus splice site. For these reasons, this variant has been classified as Pathogenic.

Baylor Genetics
Classification: Pathogenic for Neuronal ceroid lipofuscinosis 1. Last evaluated: 2024-01-24. Review status: criteria provided, single submitter. Criteria: ACMG Guidelines, 2015. Collection method: clinical testing. Allele origin: unknown.

Mayo Clinic Laboratories, Mayo Clinic
Classification: Pathogenic. Last evaluated: 2021-11-16. Review status: criteria provided, single submitter. Criteria: ACMG Guidelines, 2015. Collection method: clinical testing. Allele origin: germline.
Comment: PM2, PM3, PVS1

Juha Muilu Group; Institute for Molecular Medicine Finland (FIMM)
Classification: Likely pathogenic for Ceroid lipofuscinosis neuronal 1. Review status: no assertion criteria provided. Collection method: not provided. Allele origin: unknown. Not counted in ClinVar's aggregate classification.
Comment: FinDis database variant: This variant was not found or characterized by our laboratory, data were collected from public sources: see reference
ClinVar note: Converted during submission from probable-pathogenic to Likely pathogenic.

Literature cited by the submitters: PubMed 10679943 (cited by 3 submitters); PubMed 21990111 (cited by Labcorp Genetics (formerly Invitae), Labcorp and Mayo Clinic Laboratories, Mayo Clinic).

NM_000310.4(PPT1):c.175del (p.Glu59fs)

Gene: PPT1 (palmitoyl-protein thioesterase 1; minus strand). Cytogenetic location: 1p34.2.
Variant type: Deletion.
Coding change: c.175del on transcript NM_000310.4 (MANE Select); coding-DNA position 175, one base deleted (G; older notation c.175delG).
Protein change: p.Glu59fs; shifts the reading frame from glutamic acid 59.
Molecular consequence: frameshift variant. On other transcripts: intron variant (1).
Genome position (GRCh38, 1-based): chr1:40,092,457, C deleted on the plus strand (G on the coding strand, the reverse complement: PPT1 is on the minus strand); the first of 2 consecutive C bases (chr1:40,092,457-40,092,458); deleting either gives the same sequence. VCF-style (leftmost placement, unchanged base first): chr1-40092456-TC-T. GRCh37 (hg19) VCF-style: chr1-40558128-TC-T.
Other names: p.Glu59Argfs*12; c.175del, p.Glu59fs (NM_001363695.2); c.125-2945del (NM_001142604.2); c.175delG (NM_000310.3); short protein forms E59fs.
Identifiers: ClinVar variation 56183 (VCV000056183.17), dbSNP rs386833635, ClinGen allele CA263482.